The following is an entry in ClinVar:

ClinVar aggregate classification (germline): Uncertain significance. Review status: criteria provided, multiple submitters, no conflicts (2 of 4 stars). 5 submissions from 4 submitters: Uncertain significance (5). Last evaluated 2025-05-14.

Conditions:
Inborn genetic diseases. Identifiers: MedGen C0950123, MeSH D030342.
Ectopia lentis et pupillae. Also called: ECTOPIA LENTIS WITH ECTOPIA OF PUPIL. Identifiers: Orphanet 1885, MedGen C1644196, MONDO:0009153, OMIM 225200.
Ectopia lentis 2, isolated, autosomal recessive (ECTOL2). Identifiers: Orphanet 1885, MedGen C3541474, MONDO:0009152, OMIM 225100.

Allele frequency attached by ClinVar (database versions not stated): ExAC 0.00004; gnomAD exomes 0.00004; TOPMed 0.00006; ESP Exome Variant Server 0.00008.
gnomAD v4.1: 113 of 1,613,780 alleles (0.007%); highest among the groups gnomAD compares: Admixed American, 0.01%; no homozygotes.

Submissions (5):

Ambry Genetics
Classification: Uncertain significance for Inborn genetic diseases. Last evaluated: 2025-05-14. Review status: criteria provided, single submitter. Criteria: Ambry Variant Classification Scheme 2023. Collection method: clinical testing. Allele origin: germline.

Labcorp Genetics (formerly Invitae), Labcorp
Classification: Uncertain significance. Last evaluated: 2023-11-20. Review status: criteria provided, single submitter. Criteria: Invitae Variant Classification Sherloc (09022015). Collection method: clinical testing. Allele origin: germline.
Comment: This sequence change replaces proline, which is neutral and non-polar, with leucine, which is neutral and non-polar, at codon 950 of the ADAMTSL4 protein (p.Pro950Leu). This variant is present in population databases (rs146081960, gnomAD 0.009%). This variant has not been reported in the literature in individuals affected with ADAMTSL4-related conditions. ClinVar contains an entry for this variant (Variation ID: 874509). Algorithms developed to predict the effect of missense changes on protein structure and function output the following: SIFT: "Not Available"; PolyPhen-2: "Benign"; Align-GVGD: "Not Available". The leucine amino acid residue is found in multiple mammalian species, which suggests that this missense change does not adversely affect protein function. Algorithms developed to predict the effect of sequence changes on RNA splicing suggest that this variant may disrupt the consensus splice site. In summary, the available evidence is currently insufficient to determine the role of this variant in disease. Therefore, it has been classified as a Variant of Uncertain Significance.

Genome-Nilou Lab
Classification: Uncertain significance for Ectopia lentis et pupillae. Last evaluated: 2023-04-11. Review status: criteria provided, single submitter. Criteria: ACMG Guidelines, 2015. Collection method: clinical testing. Allele origin: germline. Affected: no.

Genome-Nilou Lab
Classification: Uncertain significance for Ectopia lentis 2, isolated, autosomal recessive. Last evaluated: 2023-04-11. Review status: criteria provided, single submitter. Criteria: ACMG Guidelines, 2015. Collection method: clinical testing. Allele origin: germline. Affected: no.

Illumina Laboratory Services, Illumina
Classification: Uncertain significance for Ectopia lentis 2, isolated, autosomal recessive. Last evaluated: 2018-01-13. Review status: criteria provided, single submitter. Criteria: ICSL Variant Classification Criteria 13 December 2019. Collection method: clinical testing. Allele origin: germline.

NM_019032.6(ADAMTSL4):c.2849C>T (p.Pro950Leu)

Gene: ADAMTSL4 (ADAMTS like 4; plus strand). Cytogenetic location: 1q21.2.
Variant type: single nucleotide variant.
Coding change: c.2849C>T on transcript NM_019032.6 (MANE Select); coding-DNA position 2849, C replaced by T.
Protein change: p.Pro950Leu; replaces proline 950 with leucine.
Molecular consequence: missense variant.
Genome position (GRCh38, 1-based): chr1:150,559,372, C>T. VCF-style: chr1-150559372-C-T. GRCh37 (hg19) VCF-style: chr1-150531848-C-T.
Other names: c.2732C>T, p.Pro911Leu (NM_001288607.2); c.2918C>T, p.Pro973Leu (NM_001288608.2); c.2849C>T, p.Pro950Leu (NM_001378596.1); short protein forms P911L, P950L, P973L.
Identifiers: ClinVar variation 874509 (VCV000874509.9), dbSNP rs146081960, ClinGen allele CA1078861.
Genomic context (GRCh38, chr1:150,559,372, plus strand): 5'-CACAGCGTAGAGACATCATCTGTGTATCCAAACTGGGGACGGAGTTCAACGTGACTTCTC[C>T]GAGCAACTGTTCTCACCTCCCCAGGCCCCCTGCCCTGCAGCCCTGTCAAGGGCAGGCCTG-3'
Protein context (NP_061905.2, residues 940-960): KLGTEFNVTS[Pro950Leu]SNCSHLPRPP